The following is an entry in ClinVar:

NM_032638.5(GATA2):c.1381C>T (p.Pro461Ser)

Gene: GATA2 (GATA binding protein 2; minus strand). Cytogenetic location: 3q21.3.
Variant type: single nucleotide variant.
Coding change: c.1381C>T on transcript NM_032638.5 (MANE Select); coding-DNA position 1381, C replaced by T.
Protein change: p.Pro461Ser; replaces proline 461 with serine.
Molecular consequence: missense variant.
Genome position (GRCh38, 1-based): chr3:128,481,081, G>A on the plus strand (C>T on the coding strand, the complement: GATA2 is on the minus strand). VCF-style: chr3-128481081-G-A. GRCh37 (hg19) VCF-style: chr3-128199924-G-A.
Other names: c.1381C>T, p.Pro461Ser (NM_001145661.2); c.1339C>T, p.Pro447Ser (NM_001145662.1); c.1381C>T (NM_032638.4); short protein forms P447S, P461S.
Identifiers: ClinVar variation 1350728 (VCV001350728.10), dbSNP rs1238679450, ClinGen allele CA354412577.

ClinVar aggregate classification (germline): Uncertain significance. Review status: criteria provided, multiple submitters, no conflicts (2 of 4 stars). 3 submissions from 3 submitters: Uncertain significance (3). Last evaluated 2026-01-07.

Conditions:
GATA2 deficiency with susceptibility to MDS/AML. Identifiers: MedGen CN300066, MONDO:0042982.
Deafness-lymphedema-leukemia syndrome. Also called: Lymphedema, primary, with myelodysplasia; Emberger syndrome. Identifiers: Orphanet 3226, MedGen C3279664, MONDO:0013540, OMIM 614038.
Monocytopenia with susceptibility to infections. Also called: GATA2 DEFICIENCY; COMBINED IMMUNODEFICIENCY WITH SUSCEPTIBILITY TO MYCOBACTERIAL, VIRAL, AND FUNGAL INFECTIONS; Dendritic cell, monocyte, B lymphocyte, and natural killer lymphocyte deficiency; MONOCYTOPENIA AND MYCOBACTERIAL INFECTION SYNDROME; MONOCYTOPENIA WITH SUSCEPTIBILITY TO MYCOBACTERIAL, FUNGAL, AND PAPILLOMAVIRUS INFECTIONS AND MYELODYSPLASIA; IMMUNODEFICIENCY 21. Identifiers: Orphanet 228423, MedGen C3280030, MONDO:0013607, OMIM 614172.
Inborn genetic diseases. Identifiers: MedGen C0950123, MeSH D030342.

Allele frequency attached by ClinVar (database versions not stated): gnomAD exomes below 0.00001 and 0.00001; gnomAD 0.00001.
gnomAD v4.1: 10 of 1,608,140 alleles (0.00062%); highest among the groups gnomAD compares: African/African-American, 0.0027%; no homozygotes.

Submissions (3):

Ambry Genetics
Classification: Uncertain significance for Inborn genetic diseases. Last evaluated: 2026-01-07. Review status: criteria provided, single submitter. Criteria: Ambry Variant Classification Scheme 2023. Collection method: clinical testing. Allele origin: germline.
Comment: The p.P461S variant (also known as c.1381C>T), located in coding exon 5 of the GATA2 gene, results from a C to T substitution at nucleotide position 1381. The proline at codon 461 is replaced by serine, an amino acid with similar properties. This amino acid position is highly conserved in available vertebrate species. In addition, the in silico prediction for this alteration is inconclusive. Based on the available evidence, the clinical significance of this variant remains unclear.

St. Jude Molecular Pathology, St. Jude Children's Research Hospital
Classification: Uncertain significance for GATA2 deficiency with susceptibility to MDS/AML. Last evaluated: 2024-05-27. Review status: criteria provided, single submitter. Criteria: St. Jude Assertion Criteria 2020. Collection method: clinical testing. Allele origin: germline.
Comment: The GATA2 c.1381C>T p.Pro461Ser variant has a maximum subpopulation frequency of 0.00089% in gnomAD v2.1.1. The in silico tool REVEL is inconclusive about a pathogenic or benign effect of this variant on protein function, and to our knowledge functional studies have not been performed. To our knowledge, this variant has not been identified in individuals with GATA2-associated phenotypes. In summary, the evidence currently available is insufficient to determine the clinical significance of this variant. It has therefore been classified as of uncertain significance.

Labcorp Genetics (formerly Invitae), Labcorp
Classification: Uncertain significance for Monocytopenia with susceptibility to infections; Deafness-lymphedema-leukemia syndrome. Last evaluated: 2023-08-11. Review status: criteria provided, single submitter. Criteria: Invitae Variant Classification Sherloc (09022015). Collection method: clinical testing. Allele origin: germline.
Comment: This sequence change replaces proline, which is neutral and non-polar, with serine, which is neutral and polar, at codon 461 of the GATA2 protein (p.Pro461Ser). The frequency data for this variant in the population databases is considered unreliable, as metrics indicate poor data quality at this position in the gnomAD database. This variant has not been reported in the literature in individuals affected with GATA2-related conditions. ClinVar contains an entry for this variant (Variation ID: 1350728). Advanced modeling of protein sequence and biophysical properties (such as structural, functional, and spatial information, amino acid conservation, physicochemical variation, residue mobility, and thermodynamic stability) has been performed at Invitae for this missense variant, however the output from this modeling did not meet the statistical confidence thresholds required to predict the impact of this variant on GATA2 protein function. In summary, the available evidence is currently insufficient to determine the role of this variant in disease. Therefore, it has been classified as a Variant of Uncertain Significance.